The following is an entry in ClinVar:

NM_007294.4(BRCA1):c.2426A>C (p.Glu809Ala)

Gene: BRCA1 (BRCA1 DNA repair associated; minus strand). Cytogenetic location: 17q21.31.
Variant type: single nucleotide variant.
Coding change: c.2426A>C on transcript NM_007294.4 (MANE Select); coding-DNA position 2426, A replaced by C.
Protein change: p.Glu809Ala; replaces glutamic acid 809 with alanine.
Molecular consequence: missense variant. On other transcripts: intron variant (137).
Genome position (GRCh38, 1-based): chr17:43,093,105, T>G on the plus strand (A>C on the coding strand, the complement: BRCA1 is on the minus strand). VCF-style: chr17-43093105-T-G. GRCh37 (hg19) VCF-style: chr17-41245122-T-G.
Other names: c.2213A>C, p.Glu738Ala (NM_001407571.1, NM_001407898.1, NM_001407899.1 and 9 more transcripts); c.2426A>C, p.Glu809Ala (NM_001407581.1, NM_001407582.1, NM_001407583.1 and 30 more transcripts); c.2423A>C, p.Glu808Ala (NM_001407587.1, NM_001407590.1, NM_001407591.1 and 22 more transcripts); c.2417A>C, p.Glu806Ala (NM_001407647.1, NM_001407646.1); c.2303A>C, p.Glu768Ala (NM_001407648.1, NM_001407668.1, NM_001407669.1 and 19 more transcripts); c.2300A>C, p.Glu767Ala (NM_001407649.1, NM_001407670.1, NM_001407671.1 and 11 more transcripts); c.2348A>C, p.Glu783Ala (NM_001407653.1, NM_001407654.1, NM_001407655.1 and 4 more transcripts); c.2285A>C, p.Glu762Ala (NM_001407692.1, NM_001407694.1, NM_001407695.1 and 29 more transcripts); and 41 more; short protein forms E513A, E641A, E681A, E682A, E697A, E698A, E720A, E721A.
Identifiers: ClinVar variation 1719414 (VCV001719414.12), dbSNP rs397507201, ClinGen allele CA10597159.
Genomic context (GRCh38, chr17:43,093,105, plus strand): 5'-AAGCCTTCTGTGTCATTTCTATTATCTTTGGAACAACCATGAATTAGTCCCTTGGGGTTT[T>G]CAAATGCTGCACACTGACTCACACATTTATTTGGTTCTGTTTTTGCCTTCCCTAGAGTGC-3'
Protein context (NP_009225.1, residues 799-819): NKCVSQCAAF[Glu809Ala]NPKGLIHGCS

ClinVar aggregate classification (germline): Conflicting classifications of pathogenicity. Review status: criteria provided, conflicting classifications (1 of 4 stars). 4 submissions from 4 submitters: Uncertain significance (2); Likely benign (2). Last evaluated 2026-05-14.

Conditions:
Hereditary cancer-predisposing syndrome. Also called: Neoplastic Syndromes, Hereditary; Tumor predisposition; Hereditary neoplastic syndrome; Hereditary Cancer Syndrome. Identifiers: Orphanet 140162, MedGen C0027672, MeSH D009386, MONDO:0015356.
Hereditary breast ovarian cancer syndrome. Also called: Hereditary breast and ovarian cancer syndrome; Hereditary breast and ovarian cancer; Hereditary breast and ovarian cancer syndrome (HBOC); Breast and ovarian cancer; Hereditary breast and/or ovarian cancer syndrome; BRCA1- and BRCA2-Associated Hereditary Breast and Ovarian Cancer. Identifiers: Orphanet 145, MedGen C0677776, MeSH D061325, MONDO:0003582. Disease mechanism: loss of function.
Breast-ovarian cancer, familial, susceptibility to, 1 (BROVCA1). Also called: OVARIAN CANCER, SUSCEPTIBILITY TO; BRCA1 Hereditary Breast and Ovarian Cancer. Identifiers: Orphanet 145, MedGen C2676676, MONDO:0011450, OMIM 604370. Disease mechanism: loss of function.

gnomAD v4.1: 1 of 1,613,668 alleles (0.000062%); highest among the groups gnomAD compares: African/African-American, 0.0013%; no homozygotes.

Submissions (4):

Ambry Genetics
Classification: Uncertain significance for Hereditary cancer-predisposing syndrome. Last evaluated: 2026-05-14. Review status: criteria provided, single submitter. Criteria: Ambry Variant Classification Scheme 2023. Collection method: clinical testing. Allele origin: germline.

Myriad Genetics, Inc.
Classification: Likely benign for Breast-ovarian cancer, familial, susceptibility to, 1. Last evaluated: 2025-12-02. Review status: criteria provided, single submitter. Criteria: Myriad Autosomal Dominant, Autosomal Recessive and X-Linked Classification Criteria (2023). Collection method: clinical testing. Allele origin: unknown.
Comment: This variant is considered likely benign. This variant is strongly associated with less severe personal and family histories of cancer, typical for individuals without pathogenic variants in this gene [PMID: 25085752].

Labcorp Genetics (formerly Invitae), Labcorp
Classification: Uncertain significance for Hereditary breast ovarian cancer syndrome. Last evaluated: 2024-09-06. Review status: criteria provided, single submitter. Criteria: Invitae Variant Classification Sherloc (09022015). Collection method: clinical testing. Allele origin: germline.
Comment: This sequence change replaces glutamic acid, which is acidic and polar, with alanine, which is neutral and non-polar, at codon 809 of the BRCA1 protein (p.Glu809Ala). This variant is not present in population databases (gnomAD no frequency). This variant has not been reported in the literature in individuals affected with BRCA1-related conditions. ClinVar contains an entry for this variant (Variation ID: 1719414). Invitae Evidence Modeling of protein sequence and biophysical properties (such as structural, functional, and spatial information, amino acid conservation, physicochemical variation, residue mobility, and thermodynamic stability) indicates that this missense variant is not expected to disrupt BRCA1 protein function with a negative predictive value of 95%. In summary, the available evidence is currently insufficient to determine the role of this variant in disease. Therefore, it has been classified as a Variant of Uncertain Significance.

University of Washington Department of Laboratory Medicine, University of Washington
Classification: Likely benign for Hereditary cancer-predisposing syndrome. Last evaluated: 2023-03-23. Review status: criteria provided, single submitter. Criteria: Dines et al. (Genet Med. 2020). Collection method: curation. Allele origin: germline.
Comment: Missense variant in a coldspot region where missense variants are very unlikely to be pathogenic (PMID:31911673).

BRCA1 coldspot (exon 11 using historical exon numbering). Reclassification based on statistical prior probability

Literature cited by the submitters: PubMed 25085752 (cited by Myriad Genetics, Inc.).